The following is an entry in ClinVar:

ClinVar aggregate classification (germline): Uncertain significance (1 of 4 stars; one submission).

Conditions:
Hypertrophic cardiomyopathy. Also called: HYPERTROPHIC MYOCARDIOPATHY. Identifiers: Orphanet 217569, MedGen C0007194, MeSH D002312, MONDO:0005045, HP:0001639.

Submission:

Labcorp Genetics (formerly Invitae), Labcorp
Classification: Uncertain significance for Hypertrophic cardiomyopathy. Last evaluated: 2023-10-03. Review status: criteria provided, single submitter. Criteria: Invitae Variant Classification Sherloc (09022015). Collection method: clinical testing. Allele origin: germline.
Comment: This sequence change replaces threonine, which is neutral and polar, with isoleucine, which is neutral and non-polar, at codon 937 of the MYH7 protein (p.Thr937Ile). This variant is not present in population databases (gnomAD no frequency). This variant has not been reported in the literature in individuals affected with MYH7-related conditions. ClinVar contains an entry for this variant (Variation ID: 2052136). Advanced modeling of protein sequence and biophysical properties (such as structural, functional, and spatial information, amino acid conservation, physicochemical variation, residue mobility, and thermodynamic stability) performed at Invitae indicates that this missense variant is expected to disrupt MYH7 protein function. In summary, the available evidence is currently insufficient to determine the role of this variant in disease. Therefore, it has been classified as a Variant of Uncertain Significance.

NM_000257.4(MYH7):c.2810C>T (p.Thr937Ile)

Gene: MYH7 (myosin heavy chain 7; minus strand). Cytogenetic location: 14q11.2.
Variant type: single nucleotide variant.
Coding change: c.2810C>T on transcript NM_000257.4 (MANE Select); coding-DNA position 2810, C replaced by T.
Protein change: p.Thr937Ile; replaces threonine 937 with isoleucine.
Molecular consequence: missense variant.
Genome position (GRCh38, 1-based): chr14:23,424,019, G>A on the plus strand (C>T on the coding strand, the complement: MYH7 is on the minus strand). VCF-style: chr14-23424019-G-A. GRCh37 (hg19) VCF-style: chr14-23893228-G-A.
Other names: c.2810C>T, p.Thr937Ile (NM_001407004.1); short protein forms T937I.
Identifiers: ClinVar variation 2052136 (VCV002052136.4), dbSNP rs2138663538, ClinGen allele CA389046970.